The following is an entry in ClinVar:

NM_005138.3(SCO2):c.773T>C (p.Met258Thr)

Genes: NCAPH2 (non-SMC condensin II complex subunit H2; plus strand), SCO2 (synthesis of cytochrome C oxidase 2; minus strand). Cytogenetic location: 22q13.33.
Variant type: single nucleotide variant.
Coding change: c.773T>C on transcript NM_005138.3 (MANE Select); coding-DNA position 773, T replaced by C.
Protein change: p.Met258Thr; replaces methionine 258 with threonine.
Molecular consequence: missense variant. On other transcripts: 3 prime UTR variant (2).
Genome position (GRCh38, 1-based): chr22:50,523,639, A>G on the plus strand (T>C on the coding strand, the complement: SCO2 is on the minus strand). VCF-style: chr22-50523639-A-G. GRCh37 (hg19) VCF-style: chr22-50962068-A-G.
Other names: c.*264A>G (NM_001185011.2, NM_152299.4); c.773T>C, p.Met258Thr (NM_001169109.2, NM_001169110.1, NM_001169111.2); short protein forms M258T.
Identifiers: ClinVar variation 2573539 (VCV002573539.1), dbSNP rs1352878283, ClinGen allele CA412190317.

ClinVar aggregate classification (germline): Uncertain significance (1 of 4 stars; one submission).

Allele frequency attached by ClinVar (database versions not stated): gnomAD 0.00001; gnomAD exomes 0.00001; TOPMed 0.00001.
gnomAD v4.1: 4 of 1,613,690 alleles (0.00025%); highest among the groups gnomAD compares: Non-Finnish European, 0.00034%; no homozygotes.

Submission:

Women's Health and Genetics/Laboratory Corporation of America, LabCorp
Classification: Uncertain significance. Last evaluated: 2023-06-27. Review status: criteria provided, single submitter. Criteria: LabCorp Variant Classification Summary - May 2015. Collection method: clinical testing. Allele origin: germline.
Comment: Variant summary: SCO2 c.773T>C (p.Met258Thr) results in a non-conservative amino acid change located in the Thioredoxin domain (IPR013766) of the encoded protein sequence. Five of five in-silico tools predict a damaging effect of the variant on protein function. The variant was absent in 251224 control chromosomes. c.773T>C has been reported in the literature as a compound heterozygous genotype in at least two individuals affected with SCO2-related conditions, specifically Leigh syndrome or Leigh-like syndrome (e.g., Ogawa_2020). These data indicate that the variant may be associated with disease. To our knowledge, no experimental evidence demonstrating an impact on protein function has been reported. The following publication has been ascertained in the context of this evaluation (PMID: 31967322). No submitters have cited clinical-significance assessments for this variant to ClinVar after 2014. Based on the evidence outlined above, the variant was classified as VUS-possibly pathogenic.

Literature cited by the submitters: PubMed 31967322.